The following is an entry in ClinVar:

NM_001374736.1(DST):c.22932A>C (p.Pro7644=)

Gene: DST (dystonin; minus strand). Cytogenetic location: 6p12.1.
Variant type: single nucleotide variant.
Coding change: c.22932A>C on transcript NM_001374736.1 (MANE Select); coding-DNA position 22932, A replaced by C.
Protein change: p.Pro7644=; no amino-acid change (proline 7644 retained).
Molecular consequence: synonymous variant.
Genome position (GRCh38, 1-based): chr6:56,463,592, T>G on the plus strand (A>C on the coding strand, the complement: DST is on the minus strand). VCF-style: chr6-56463592-T-G. GRCh37 (hg19) VCF-style: chr6-56328390-T-G.
Other names: c.16503A>C, p.Pro5501= (NM_001144769.5); c.16089A>C, p.Pro5363= (NM_001144770.2); c.22860A>C, p.Pro7620= (NM_001374722.1); c.21972A>C, p.Pro7324= (NM_001374729.1); c.15714A>C, p.Pro5238= (NM_001374730.1); c.22887A>C, p.Pro7629= (NM_001374734.1); c.15951A>C, p.Pro5317= (NM_001386100.1); c.14991A>C, p.Pro4997= (NM_015548.5); and 1 more.
Identifiers: ClinVar variation 798344 (VCV000798344.14), dbSNP rs374094129, ClinGen allele CA3866110.

ClinVar aggregate classification (germline): Benign. Review status: criteria provided, single submitter (1 of 4 stars). 2 submissions from 2 submitters: Benign (1). 1 of the submissions does not count toward it. Last evaluated 2025-10-13.

Conditions:
Hereditary sensory and autonomic neuropathy type 6. Also called: HSAN VI; Neuropathy, hereditary sensory and autonomic, type VI. Identifiers: Orphanet 314381, MedGen C3539003, MONDO:0013839, OMIM 614653.
Epidermolysis bullosa simplex 3, localized or generalized intermediate, with BP230 deficiency (EBS3). Also called: Epidermolysis bullosa simplex, autosomal recessive 2; Epidermolysis bullosa simplex due to BP230 deficiency. Identifiers: Orphanet 412181, MedGen C3809470, MONDO:0014180, OMIM 615425.
DST-related disorder. Also called: DST-related condition; DST-related disorders.

Allele frequency attached by ClinVar (database versions not stated): gnomAD exomes 0.00019; ExAC 0.00023; 1000 Genomes Project 30x 0.00062; gnomAD 0.00073 and 0.00068; 1000 Genomes Project 0.00060; ESP Exome Variant Server 0.00073; TOPMed 0.00076.
gnomAD v4.1: 197 of 1,602,196 alleles (0.012%); highest among the groups gnomAD compares: African/African-American, 0.24%; no homozygotes.

Submissions (2):

Labcorp Genetics (formerly Invitae), Labcorp
Classification: Benign for Epidermolysis bullosa simplex 3, localized or generalized intermediate, with BP230 deficiency; Hereditary sensory and autonomic neuropathy type 6. Last evaluated: 2025-10-13. Review status: criteria provided, single submitter. Criteria: Invitae Variant Classification Sherloc (09022015). Collection method: clinical testing. Allele origin: germline.

PreventionGenetics, part of Exact Sciences
Classification: Likely benign for DST-related condition. Last evaluated: 2019-05-10. Review status: no assertion criteria provided. Collection method: clinical testing. Allele origin: germline. Not counted in ClinVar's aggregate classification.
Comment: This variant is classified as likely benign based on ACMG/AMP sequence variant interpretation guidelines (Richards et al. 2015 PMID: 25741868, with internal and published modifications).